The following is an entry in ClinVar:

NM_001378609.3(OTOGL):c.4741C>T (p.Gln1581Ter)

Gene: OTOGL (otogelin like; plus strand). Cytogenetic location: 12q21.31.
Variant type: single nucleotide variant.
Coding change: c.4741C>T on transcript NM_001378609.3 (MANE Select); coding-DNA position 4741, C replaced by T.
Protein change: p.Gln1581Ter; replaces glutamine 1581 with a stop codon.
Molecular consequence: nonsense.
Genome position (GRCh38, 1-based): chr12:80,336,553, C>T. VCF-style: chr12-80336553-C-T. GRCh37 (hg19) VCF-style: chr12-80730333-C-T.
Other names: c.4606C>T, p.Gln1536Ter (NM_001368062.3); c.4741C>T, p.Gln1581Ter (NM_001378610.3, NM_173591.7); c.4714C>T (NM_173591.5); short protein forms Q1536*, Q1581*.
Identifiers: ClinVar variation 3065077 (VCV003065077.2), dbSNP rs2541306591, ClinGen allele CA385881098.
Genomic context (GRCh38, chr12:80,336,553, plus strand): 5'-ATCTTAGTAAGAATTCCTGGTGAAATTATAGTTGCTCATATCGAAAAATGTTCCATGAAT[C>T]AGGTGGGTCATAATTTATTTTTGCAGTCATTTCATCATAAATCTATAGCTAATGTCTATT-3'

ClinVar aggregate classification (germline): Conflicting classifications of pathogenicity. Review status: criteria provided, conflicting classifications (1 of 4 stars). 2 submissions from 2 submitters: Likely pathogenic (1); Uncertain significance (1). Last evaluated 2024-03-26.

Conditions:
Rare genetic deafness. Identifiers: Orphanet 96210, MedGen C5680250.
Autosomal recessive nonsyndromic hearing loss 84B. Also called: Deafness, autosomal recessive 84b. Identifiers: Orphanet 90636, MedGen C3554159, MONDO:0013984, OMIM 614944.

Submissions (2):

Genomic Medicine Center of Excellence, King Faisal Specialist Hospital and Research Centre
Classification: Uncertain significance for Autosomal recessive nonsyndromic hearing loss 84B. Last evaluated: 2024-03-26. Review status: criteria provided, single submitter. Criteria: ACMG Guidelines, 2015. Collection method: clinical testing. Allele origin: germline.

Laboratory for Molecular Medicine, Mass General Brigham Personalized Medicine
Classification: Likely pathogenic for Rare genetic deafness. Last evaluated: 2022-06-30. Review status: criteria provided, single submitter. Criteria: ACMG Guidelines, 2015. Collection method: clinical testing. Allele origin: germline.
Comment: The p.Gln1572X variant in OTOGL has not been reported in individuals with nonsyndromic hearing loss and was absent from large population studies. This nonsense variant leads to a premature termination codon at position 1572, which is predicted to lead to a truncated or absent protein. Loss of function of the OTOGL gene is an established disease mechanism in autosomal recessive nonsyndromic hearing loss. In summary, although additional studies are required to fully establish its clinical significance, this variant meets criteria to be classified as likely pathogenic for autosomal recessive nonsyndromic hearing loss. ACMG/AMP Criteria applied: PVS1, PM2_P.